The following is an entry in ClinVar:

NM_017849.4(TMEM127):c.519C>T (p.Phe173=)

Gene: TMEM127 (transmembrane protein 127; minus strand). Cytogenetic location: 2q11.2.
Variant type: single nucleotide variant.
Coding change: c.519C>T on transcript NM_017849.4 (MANE Select); coding-DNA position 519, C replaced by T.
Protein change: p.Phe173=; no amino-acid change (phenylalanine 173 retained).
Molecular consequence: synonymous variant.
Genome position (GRCh38, 1-based): chr2:96,254,006, G>A on the plus strand (C>T on the coding strand, the complement: TMEM127 is on the minus strand). VCF-style: chr2-96254006-G-A. GRCh37 (hg19) VCF-style: chr2-96919744-G-A.
Other names: c.519C>T, p.Phe173= (NM_001193304.3).
Identifiers: ClinVar variation 413241 (VCV000413241.18), dbSNP rs758676810, ClinGen allele CA1777291.

ClinVar aggregate classification (germline): Benign/Likely benign. Review status: criteria provided, multiple submitters, no conflicts (2 of 4 stars). 4 submissions from 4 submitters: Benign (1); Likely benign (3). Last evaluated 2026-07-30.

Conditions:
Hereditary pheochromocytoma and paraganglioma. Also called: Hereditary Paraganglioma-Pheochromocytoma Syndromes; Hereditary paragangliomas and pheochromocytomas; Hereditary pheochromocytoma-paraganglioma. Identifiers: Orphanet 29072, MedGen C4274332, MONDO:0017366.
TMEM127-related disorder. Also called: TMEM127-related condition.
Hereditary cancer-predisposing syndrome. Also called: Hereditary Cancer Syndrome; Hereditary neoplastic syndrome; Neoplastic Syndromes, Hereditary; Tumor predisposition. Identifiers: Orphanet 140162, MedGen C0027672, MeSH D009386, MONDO:0015356.

Allele frequency attached by ClinVar (database versions not stated): gnomAD 0.00003 and 0.00004; ExAC 0.00002; gnomAD exomes 0.00003; TOPMed 0.00004.
gnomAD v4.1: 101 of 1,614,044 alleles (0.0063%); highest among the groups gnomAD compares: Middle Eastern, 0.016%; no homozygotes.

Submissions (4):

Myriad Genetics, Inc.
Classification: Benign for Hereditary pheochromocytoma and paraganglioma. Last evaluated: 2026-07-30. Review status: criteria provided, single submitter. Criteria: Myriad Autosomal Dominant, Autosomal Recessive and X-Linked Classification Criteria (2023). Collection method: clinical testing. Allele origin: unknown.
Comment: This variant is considered benign. This variant is a silent/synonymous amino acid change and it is not expected to impact splicing.

PreventionGenetics, part of Exact Sciences
Classification: Likely benign for TMEM127-related condition. Last evaluated: 2026-02-26. Review status: criteria provided, single submitter. Criteria: ACMG Guidelines, 2015. Collection method: clinical testing. Allele origin: germline.
Comment: This variant is classified as likely benign based on ACMG/AMP sequence variant interpretation guidelines (Richards et al. 2015 PMID: 25741868, with internal and published modifications).

Labcorp Genetics (formerly Invitae), Labcorp
Classification: Likely benign for Hereditary pheochromocytoma and paraganglioma. Last evaluated: 2026-02-03. Review status: criteria provided, single submitter. Criteria: Invitae Variant Classification Sherloc (09022015). Collection method: clinical testing. Allele origin: germline.

Ambry Genetics
Classification: Likely benign for Hereditary cancer-predisposing syndrome. Last evaluated: 2016-05-27. Review status: criteria provided, single submitter. Criteria: Ambry Variant Classification Scheme 2023. Collection method: clinical testing. Allele origin: germline.